The following is an entry in ClinVar:

ClinVar aggregate classification (germline): Pathogenic (1 of 4 stars; one submission).

Submission:

Labcorp Genetics (formerly Invitae), Labcorp
Classification: Pathogenic. Last evaluated: 2025-10-29. Review status: criteria provided, single submitter. Criteria: Invitae Variant Classification Sherloc (09022015). Collection method: clinical testing. Allele origin: germline.
Comment: This sequence change creates a premature translational stop signal (p.Glu712Argfs*55) in the LZTR1 gene. It is expected to result in an absent or disrupted protein product. Loss-of-function variants in LZTR1 are known to be pathogenic (PMID: 24362817, 25335493, 25480913, 25795793, 29469822, 30368668, 30442762, 30442766, 30481304, 30859559). This variant is not present in population databases (gnomAD no frequency). This variant has not been reported in the literature in individuals affected with LZTR1-related conditions. For these reasons, this variant has been classified as Pathogenic.

Literature cited by the submitters: PubMed 24362817; PubMed 25335493; PubMed 25480913; PubMed 25795793; PubMed 29469822; PubMed 30368668; PubMed 30442762; PubMed 30442766; PubMed 30481304; PubMed 30859559.

NM_006767.4(LZTR1):c.2134del (p.Glu712fs)

Gene: LZTR1 (leucine zipper like post translational regulator 1; plus strand). Cytogenetic location: 22q11.21.
Variant type: Deletion.
Coding change: c.2134del on transcript NM_006767.4 (MANE Select); coding-DNA position 2134, one base deleted (G; older notation c.2134delG).
Protein change: p.Glu712fs; shifts the reading frame from glutamic acid 712.
Molecular consequence: frameshift variant.
Genome position (GRCh38, 1-based): chr22:20,996,027, G deleted; the last of 4 consecutive G bases (chr22:20,996,024-20,996,027); deleting any one gives the same sequence. VCF-style (leftmost placement, unchanged base first): chr22-20996023-CG-C. GRCh37 (hg19) VCF-style: chr22-21350312-CG-C.
Other names: short protein forms E712fs.
Identifiers: ClinVar variation 4701070 (VCV004701070.1).